The following is an entry in ClinVar:

ClinVar aggregate classification (germline): Uncertain significance. Review status: criteria provided, multiple submitters, no conflicts (2 of 4 stars). 2 submissions from 2 submitters: Uncertain significance (2). Last evaluated 2025-12-27.

Conditions:
Emery-Dreifuss muscular dystrophy 5, autosomal dominant (EDMD5). Also called: EMERY-DREIFUSS MUSCULAR DYSTROPHY 5. Identifiers: Orphanet 261, MedGen C2751805, MONDO:0013072, OMIM 612999.
SYNE2-related disorder. Also called: SYNE2-related condition.

Allele frequency attached by ClinVar (database versions not stated): TOPMed below 0.00001; gnomAD 0.00001; gnomAD exomes 0.00001.
gnomAD v4.1: 12 of 1,613,986 alleles (0.00074%); highest among the groups gnomAD compares: Admixed American, 0.005%; no homozygotes.

Submissions (2):

PreventionGenetics, part of Exact Sciences
Classification: Uncertain significance for SYNE2-related condition. Last evaluated: 2025-12-27. Review status: criteria provided, single submitter. Criteria: ACMG Guidelines, 2015. Collection method: clinical testing. Allele origin: germline.
Comment: The SYNE2 c.7508A>G variant is predicted to result in the amino acid substitution p.Asn2503Ser. To our knowledge, this variant has not been reported in the literature. This variant is present in 0.0058% of alleles in individuals of Latino descent in gnomAD. At this time, the clinical significance of this variant is uncertain due to the absence of conclusive functional and genetic evidence.

Labcorp Genetics (formerly Invitae), Labcorp
Classification: Uncertain significance for Emery-Dreifuss muscular dystrophy 5, autosomal dominant. Last evaluated: 2022-02-08. Review status: criteria provided, single submitter. Criteria: Invitae Variant Classification Sherloc (09022015). Collection method: clinical testing. Allele origin: germline.
Comment: Algorithms developed to predict the effect of missense changes on protein structure and function output the following: SIFT: "Tolerated"; PolyPhen-2: "Benign"; Align-GVGD: "Class C0". The serine amino acid residue is found in multiple mammalian species, which suggests that this missense change does not adversely affect protein function. ClinVar contains an entry for this variant (Variation ID: 1040578). This variant has not been reported in the literature in individuals affected with SYNE2-related conditions. This variant is present in population databases (no rsID available, gnomAD 0.006%). This sequence change replaces asparagine, which is neutral and polar, with serine, which is neutral and polar, at codon 2503 of the SYNE2 protein (p.Asn2503Ser). In summary, the available evidence is currently insufficient to determine the role of this variant in disease. Therefore, it has been classified as a Variant of Uncertain Significance.

NM_182914.3(SYNE2):c.7508A>G (p.Asn2503Ser)

Gene: SYNE2 (spectrin repeat containing nuclear envelope protein 2; plus strand). Cytogenetic location: 14q23.2.
Variant type: single nucleotide variant.
Coding change: c.7508A>G on transcript NM_182914.3 (MANE Select); coding-DNA position 7508, A replaced by G.
Protein change: p.Asn2503Ser; replaces asparagine 2503 with serine.
Molecular consequence: missense variant.
Genome position (GRCh38, 1-based): chr14:64,049,741, A>G. VCF-style: chr14-64049741-A-G. GRCh37 (hg19) VCF-style: chr14-64516459-A-G.
Other names: c.7508A>G, p.Asn2503Ser (NM_015180.6); c.7508A>G (NM_182914.2); short protein forms N2503S.
Identifiers: ClinVar variation 1040578 (VCV001040578.9), dbSNP rs1160071284, ClinGen allele CA389959004.